The following is an entry in ClinVar:

NM_004006.3(DMD):c.5029T>C (p.Tyr1677His)

Gene: DMD (dystrophin; minus strand). Cytogenetic location: Xp21.1.
Variant type: single nucleotide variant.
Coding change: c.5029T>C on transcript NM_004006.3 (MANE Select); coding-DNA position 5029, T replaced by C.
Protein change: p.Tyr1677His; replaces tyrosine 1677 with histidine.
Molecular consequence: missense variant.
Genome position (GRCh38, 1-based): chrX:32,364,707, A>G on the plus strand (T>C on the coding strand, the complement: DMD is on the minus strand). VCF-style: chrX-32364707-A-G. GRCh37 (hg19) VCF-style: chrX-32382824-A-G.
Other names: c.5005T>C, p.Tyr1669His (NM_000109.4); c.5017T>C, p.Tyr1673His (NM_004009.3); c.4660T>C, p.Tyr1554His (NM_004010.3); c.1006T>C, p.Tyr336His (NM_004011.4); c.997T>C, p.Tyr333His (NM_004012.4); short protein forms Y1554H, Y1669H, Y1673H, Y1677H, Y333H, Y336H.
Identifiers: ClinVar variation 4805644 (VCV004805644.1).
Genomic context (GRCh38, chrX:32,364,707, plus strand): 5'-GAATGATCCACTTTGTGATGTGGTCCACATTCTGGTCAAAAGTTTCCATGTGTTTCTGGT[A>G]TTCCTTAATTGTACAGAGACATACCATGGCATTATTGGTTAGACAATATTCTTAAAGAAT-3'
Protein context (NP_003997.2, residues 1667-1687): AEEWLNLLLE[Tyr1677His]QKHMETFDQN

ClinVar aggregate classification (germline): Uncertain significance (1 of 4 stars; one submission).

Conditions:
Duchenne muscular dystrophy (DMD). Also called: Duchenne Muscular Dystrophy (DMD); MUSCULAR DYSTROPHY, PSEUDOHYPERTROPHIC PROGRESSIVE, DUCHENNE TYPE. Identifiers: Orphanet 98896, MedGen C0013264, MONDO:0010679, OMIM 310200.

gnomAD v4.1: 4 of 1,206,512 alleles (0.00033%); highest among the groups gnomAD compares: Non-Finnish European, 0.00022%; no homozygotes.

Submission:

Labcorp Genetics (formerly Invitae), Labcorp
Classification: Uncertain significance for Duchenne muscular dystrophy. Last evaluated: 2025-03-05. Review status: criteria provided, single submitter. Criteria: Invitae Variant Classification Sherloc (09022015). Collection method: clinical testing. Allele origin: germline.
Comment: This sequence change replaces tyrosine, which is neutral and polar, with histidine, which is basic and polar, at codon 1677 of the DMD protein (p.Tyr1677His). This variant is present in population databases (rs748979320, gnomAD 0.01%). This variant has not been reported in the literature in individuals affected with DMD-related conditions. Invitae Evidence Modeling of protein sequence and biophysical properties (such as structural, functional, and spatial information, amino acid conservation, physicochemical variation, residue mobility, and thermodynamic stability) indicates that this missense variant is not expected to disrupt DMD protein function with a negative predictive value of 95%. In summary, the available evidence is currently insufficient to determine the role of this variant in disease. Therefore, it has been classified as a Variant of Uncertain Significance.